The following is an entry in ClinVar:

NM_001034853.2(RPGR):c.935-2A>G

Gene: RPGR (retinitis pigmentosa GTPase regulator; minus strand). Cytogenetic location: Xp11.4.
Variant type: single nucleotide variant.
Coding change: c.935-2A>G on transcript NM_001034853.2 (MANE Select); the canonical splice acceptor site of the intron before coding-DNA position 935, A replaced by G.
Molecular consequence: splice acceptor variant.
Genome position (GRCh38, 1-based): chrX:38,301,373, T>C on the plus strand (A>G on the coding strand, the complement: RPGR is on the minus strand). VCF-style: chrX-38301373-T-C. GRCh37 (hg19) VCF-style: chrX-38160626-T-C.
Other names: c.932-2A>G (NM_001367249.1, NM_001367250.1, NM_001367245.1); c.935-2A>G (NM_001367251.1, NM_001367246.1, NM_001367247.1 and 1 more transcripts); c.965-2A>G (NM_001367248.1).
Identifiers: ClinVar variation 872285 (VCV000872285.45), dbSNP rs2067498092, ClinGen allele CA412740505.
Genomic context (GRCh38, chrX:38,301,373, plus strand): 5'-CAGTCCAAGTCCTAATTTTCCGTGGCGACCATCTCCAAAAGTATACATAAGGCCGATATC[T>C]AAAATGCAAAAATAATGAAGAGAATTATAAAAGTGTTACTTGTATGGATCTATTTGTAAA-3'

ClinVar aggregate classification (germline): Pathogenic. Review status: reviewed by expert panel (3 of 4 stars). 4 submissions from 4 submitters: Pathogenic (1). 3 of the submissions do not count toward it. Last evaluated 2026-09-26.

Conditions:
RPGR-related retinopathy. Also called: RPGR retinopathy. Identifiers: MedGen CN305589, MONDO:0100437.
Primary ciliary dyskinesia. Also called: Ciliary dyskinesia. Identifiers: Orphanet 244, MedGen C0008780, MONDO:0016575, HP:0012265.
Retinal dystrophy. Also called: Inherited retinal dystrophy. Identifiers: Orphanet 71862, MedGen C0854723, MeSH D058499, MONDO:0019118, HP:0000556.

Submissions (4):

ClinGen X-linked Inherited Retinal Disease Variant Curation Expert Panel, ClinGen
Classification: Pathogenic for RPGR-related retinopathy. Last evaluated: 2026-09-26. Review status: reviewed by expert panel. Criteria: ClinGen X LinkedIRD ACMG Specifications RPGR V1.0.0. Collection method: curation. Allele origin: germline. Inheritance: X-linked inheritance.
Comment: The NM_001034853.2(RPGR):c.935-2A>G variant is a canonical splice site variant in intron 8, located two nucleotides before exon 9. This variant occurs at a canonical splice site in intron 8 and is predicted to disrupt splicing and induce skipping of exon 9, which is expected to disrupt a critical functional domain in RPGR (PVS1). This variant is absent from hemizygous individuals in gnomAD v4.1.0 (PM2_Supporting). This variant is found in the +/- 1,2 dinucleotide and meets PVS1 (met), and another variant, c.935-1G>T (PMID: 32531858), was previously classified as pathogenic in the same donor/acceptor +/-1,2 dinucleotide for the RPGR-related retinopathy by ClinGen X-linked IRD VCEP (PS1_supporting). This variant has been reported in at least 2 apparently unrelated probands meeting the PS4 requirement of a male with some functional vision impairment by age 30 and/or decreased or absent ERG responses, or a female with functional visual abnormality and documentation of a male relative affected with retinitis pigmentosa (PMIDs: 25356976, 31213501, 34327195, CeGaT Center for Human Genetics Tuebingen personal communication). In summary, this variant is classified as pathogenic for RPGR-related retinopathy based on the ClinGen X-linked Inherited Retinal Disease Expert Panel Specifications to the ACMG/AMP Variant Interpretation Guidelines for RPGR Version 1.0.0: PVS1, PM2_Supporting, PS1_Supporting, and PS4_Supporting.

Labcorp Genetics (formerly Invitae), Labcorp
Classification: Pathogenic for Primary ciliary dyskinesia. Last evaluated: 2025-02-25. Review status: criteria provided, single submitter. Criteria: Invitae Variant Classification Sherloc (09022015). Collection method: clinical testing. Allele origin: germline. Not counted in ClinVar's aggregate classification.
Comment: This sequence change affects an acceptor splice site in intron 8 of the RPGR gene. It is expected to disrupt RNA splicing. Variants that disrupt the donor or acceptor splice site typically lead to a loss of protein function (PMID: 16199547), and loss-of-function variants in RPGR are known to be pathogenic (PMID: 16055928, 16969763). This variant is not present in population databases (gnomAD no frequency). Disruption of this splice site has been observed in individuals with retinitis pigmentosa (PMID: 25356976, 31213501, 34327195). ClinVar contains an entry for this variant (Variation ID: 872285). Algorithms developed to predict the effect of sequence changes on RNA splicing suggest that this variant may disrupt the consensus splice site. For these reasons, this variant has been classified as Pathogenic.

Dept Of Ophthalmology, Nagoya University
Classification: Pathogenic for Retinal dystrophy. Last evaluated: 2023-10-01. Review status: criteria provided, single submitter. Criteria: Submitter's publication. Collection method: research. Allele origin: germline. Affected: yes. Not counted in ClinVar's aggregate classification.

CeGaT Center for Human Genetics Tuebingen
Classification: Pathogenic. Last evaluated: 2019-07-01. Review status: criteria provided, single submitter. Criteria: CeGaT Center For Human Genetics Tuebingen Variant Classification Criteria Version 2. Collection method: clinical testing. Allele origin: germline. Affected: yes. Observed: 2 variant alleles. Not counted in ClinVar's aggregate classification.

Literature cited by the submitters: PubMed 16199547 (cited by Labcorp Genetics (formerly Invitae), Labcorp); PubMed 16055928 (cited by Labcorp Genetics (formerly Invitae), Labcorp); PubMed 16969763 (cited by Labcorp Genetics (formerly Invitae), Labcorp); PubMed 25356976 (cited by Labcorp Genetics (formerly Invitae), Labcorp); PubMed 31213501 (cited by Labcorp Genetics (formerly Invitae), Labcorp); PubMed 34327195 (cited by Labcorp Genetics (formerly Invitae), Labcorp).